The following is an entry in ClinVar:

NM_017613.4(DONSON):c.254A>G (p.Asn85Ser)

Gene: DONSON (DNA replication fork stabilization factor DONSON; minus strand). Cytogenetic location: 21q22.11.
Variant type: single nucleotide variant.
Coding change: c.254A>G on transcript NM_017613.4 (MANE Select); coding-DNA position 254, A replaced by G.
Protein change: p.Asn85Ser; replaces asparagine 85 with serine.
Molecular consequence: missense variant.
Genome position (GRCh38, 1-based): chr21:33,588,388, T>C on the plus strand (A>G on the coding strand, the complement: DONSON is on the minus strand). VCF-style: chr21-33588388-T-C. GRCh37 (hg19) VCF-style: chr21-34960694-T-C.
Other names: short protein forms N85S.
Identifiers: ClinVar variation 1916087 (VCV001916087.2), dbSNP rs768390658, ClinGen allele CA10010671.

ClinVar aggregate classification (germline): Uncertain significance (1 of 4 stars; one submission).

Allele frequency attached by ClinVar (database versions not stated): gnomAD exomes below 0.00001; TOPMed 0.00005; gnomAD 0.00006; 1000 Genomes Project 30x 0.00062.
gnomAD v4.1: 11 of 1,297,520 alleles (0.00085%); highest among the groups gnomAD compares: African/African-American, 0.014%; no homozygotes.

Submission:

Labcorp Genetics (formerly Invitae), Labcorp
Classification: Uncertain significance. Last evaluated: 2022-04-22. Review status: criteria provided, single submitter. Criteria: Invitae Variant Classification Sherloc (09022015). Collection method: clinical testing. Allele origin: germline.
Comment: This sequence change replaces asparagine, which is neutral and polar, with serine, which is neutral and polar, at codon 85 of the DONSON protein (p.Asn85Ser). This variant is not present in population databases (gnomAD no frequency). This variant has not been reported in the literature in individuals affected with DONSON-related conditions. Algorithms developed to predict the effect of missense changes on protein structure and function are either unavailable or do not agree on the potential impact of this missense change (SIFT: "Tolerated"; PolyPhen-2: "Possibly Damaging"; Align-GVGD: "Class C0"). In summary, the available evidence is currently insufficient to determine the role of this variant in disease. Therefore, it has been classified as a Variant of Uncertain Significance.